The following is an entry in ClinVar:

ClinVar aggregate classification (germline): Uncertain significance (1 of 4 stars; one submission).

Submission:

Labcorp Genetics (formerly Invitae), Labcorp
Classification: Uncertain significance. Last evaluated: 2024-08-14. Review status: criteria provided, single submitter. Criteria: Invitae Variant Classification Sherloc (09022015). Collection method: clinical testing. Allele origin: germline.
Comment: This sequence change replaces serine, which is neutral and polar, with cysteine, which is neutral and slightly polar, at codon 1678 of the ARID1A protein (p.Ser1678Cys). This variant is present in population databases (no rsID available, gnomAD 0.0009%). This variant has not been reported in the literature in individuals affected with ARID1A-related conditions. Invitae Evidence Modeling of protein sequence and biophysical properties (such as structural, functional, and spatial information, amino acid conservation, physicochemical variation, residue mobility, and thermodynamic stability) indicates that this missense variant is expected to disrupt ARID1A protein function with a positive predictive value of 80%. In summary, the available evidence is currently insufficient to determine the role of this variant in disease. Therefore, it has been classified as a Variant of Uncertain Significance.

NM_006015.6(ARID1A):c.5033C>G (p.Ser1678Cys)

Gene: ARID1A (AT-rich interaction domain 1A; plus strand). Cytogenetic location: 1p36.11.
Variant type: single nucleotide variant.
Coding change: c.5033C>G on transcript NM_006015.6 (MANE Select); coding-DNA position 5033, C replaced by G.
Protein change: p.Ser1678Cys; replaces serine 1678 with cysteine.
Molecular consequence: missense variant.
Genome position (GRCh38, 1-based): chr1:26,775,616, C>G. VCF-style: chr1-26775616-C-G. GRCh37 (hg19) VCF-style: chr1-27102107-C-G.
Other names: c.4382C>G, p.Ser1461Cys (NM_139135.4); short protein forms S1461C, S1678C.
Identifiers: ClinVar variation 3662352 (VCV003662352.2).
Genomic context (GRCh38, chr1:26,775,616, plus strand): 5'-CGACATGGAGGTTTATTTCAGGAACCCCGGAGGCATGGCGGGTAATGATGTCCCTCAAGT[C>G]TGGTCTCCTGGCAGAGAGCACATGGGCATTAGATACCATCAACATCCTGCTGTATGATGA-3'
Protein context (NP_006006.3, residues 1668-1688): EAWRVMMSLK[Ser1678Cys]GLLAESTWAL